The following is an entry in ClinVar:

ClinVar aggregate classification (germline): Uncertain significance (1 of 4 stars; one submission).

Conditions:
Inborn genetic diseases. Identifiers: MedGen C0950123, MeSH D030342.

Submission:

Ambry Genetics
Classification: Uncertain significance for Inborn genetic diseases. Last evaluated: 2026-07-06. Review status: criteria provided, single submitter. Criteria: Ambry Variant Classification Scheme 2023. Collection method: clinical testing. Allele origin: germline.
Comment: The p.A44T variant (also known as c.130G>A), located in coding exon 1 of the CEBPA gene, results from a G to A substitution at nucleotide position 130. The alanine at codon 44 is replaced by threonine, an amino acid with similar properties. This amino acid position is conserved. In addition, this alteration is predicted to be tolerated by in silico analysis. Based on the available evidence, the clinical significance of this variant remains unclear.

NM_004364.5(CEBPA):c.130G>A (p.Ala44Thr)

Gene: CEBPA (CCAAT enhancer binding protein alpha; minus strand). Cytogenetic location: 19q13.11.
Variant type: single nucleotide variant.
Coding change: c.130G>A on transcript NM_004364.5 (MANE Select); coding-DNA position 130, G replaced by A.
Protein change: p.Ala44Thr; replaces alanine 44 with threonine.
Molecular consequence: missense variant. On other transcripts: 5 prime UTR variant (1).
Genome position (GRCh38, 1-based): chr19:33,302,285, C>T on the plus strand (G>A on the coding strand, the complement: CEBPA is on the minus strand). VCF-style: chr19-33302285-C-T. GRCh37 (hg19) VCF-style: chr19-33793191-C-T.
Other names: c.-228G>A (NM_001285829.2); c.235G>A, p.Ala79Thr (NM_001287424.2); c.88G>A, p.Ala30Thr (NM_001287435.2); short protein forms A44T, A30T, A79T.
Identifiers: ClinVar variation 5034289 (VCV005034289.1).